The following is an entry in ClinVar:

NM_020376.4(PNPLA2):c.1375C>G (p.Leu459Val)

Gene: PNPLA2 (patatin like domain 2, triacylglycerol lipase; plus strand). Cytogenetic location: 11p15.5.
Variant type: single nucleotide variant.
Coding change: c.1375C>G on transcript NM_020376.4 (MANE Select); coding-DNA position 1375, C replaced by G.
Protein change: p.Leu459Val; replaces leucine 459 with valine.
Molecular consequence: missense variant.
Genome position (GRCh38, 1-based): chr11:824,722, C>G. VCF-style: chr11-824722-C-G. GRCh37 (hg19) VCF-style: chr11-824722-C-G.
Other names: short protein forms L459V.
Identifiers: ClinVar variation 1437328 (VCV001437328.7), dbSNP rs757529468, ClinGen allele CA5791391.

ClinVar aggregate classification (germline): Uncertain significance (1 of 4 stars; one submission).

Conditions:
Neutral lipid storage myopathy (NLSDM). Also called: NEUTRAL LIPID STORAGE DISEASE WITHOUT ICHTHYOSIS. Identifiers: Orphanet 98908, MedGen C1853136, MONDO:0012545, OMIM 610717.

Allele frequency attached by ClinVar (database versions not stated): gnomAD 0.00001; TOPMed 0.00001; ExAC 0.00003; gnomAD exomes 0.00003.
gnomAD v4.1: 13 of 1,583,842 alleles (0.00082%); highest among the groups gnomAD compares: Middle Eastern, 0.017%; no homozygotes.

Submission:

Labcorp Genetics (formerly Invitae), Labcorp
Classification: Uncertain significance for Neutral lipid storage myopathy. Last evaluated: 2021-01-30. Review status: criteria provided, single submitter. Criteria: Invitae Variant Classification Sherloc (09022015). Collection method: clinical testing. Allele origin: germline.
Comment: This variant has not been reported in the literature in individuals with PNPLA2-related conditions. Algorithms developed to predict the effect of missense changes on protein structure and function are either unavailable or do not agree on the potential impact of this missense change (SIFT: "Tolerated"; PolyPhen-2: "Possibly Damaging"; Align-GVGD: "Class C0"). Algorithms developed to predict the effect of sequence changes on RNA splicing suggest that this variant may create or strengthen a splice site, but this prediction has not been confirmed by published transcriptional studies. In summary, the available evidence is currently insufficient to determine the role of this variant in disease. Therefore, it has been classified as a Variant of Uncertain Significance. This sequence change replaces leucine with valine at codon 459 of the PNPLA2 protein (p.Leu459Val). The leucine residue is moderately conserved and there is a small physicochemical difference between leucine and valine. This variant is present in population databases (rs757529468, ExAC 0.04%).